The following is an entry in ClinVar:

ClinVar aggregate classification (germline): Uncertain significance. Review status: criteria provided, multiple submitters, no conflicts (2 of 4 stars). 4 submissions from 4 submitters: Uncertain significance (4). Last evaluated 2026-08-06.

Conditions:
Monosomy 7 myelodysplasia and leukemia syndrome 1. Also called: Familial Mosaic Monosomy 7 Syndrome; Monosomy 7 of bone marrow; CHROMOSOME 7q DELETION. Identifiers: MedGen C1854978, MONDO:0009646, OMIM 252270.

Submissions (4):

OLLIN Analises Genomicas, OLLIN
Classification: Uncertain significance for Monosomy 7 myelodysplasia and leukemia syndrome 1. Last evaluated: 2026-08-06. Review status: criteria provided, single submitter. Criteria: ACMG Guidelines 2015 PMID 25741868. Collection method: clinical testing. Allele origin: germline. Inheritance: Autosomal dominant inheritance.
Comment: This frameshift variant, located in exon 5 (of 5), has been reported in ClinVar (accession VCV001025739.10) and in gnomAD with an allele frequency of 0.0016%. However, to our knowledge, it has not been reported in the scientific literature. This variant causes a frameshift and introduces a premature stop codon, which is predicted to result in either a truncated protein or degradation of the mRNA via nonsense-mediated decay (NMD). According to the currently available evidence, this variant has been classified as uncertain significance (PVS1_S).

CeGaT Center for Human Genetics Tuebingen
Classification: Uncertain significance. Last evaluated: 2025-12-01. Review status: criteria provided, single submitter. Criteria: CeGaT Center For Human Genetics Tuebingen Variant Classification Criteria Version 2. Collection method: clinical testing. Allele origin: germline. Affected: yes. Observed: 1 variant allele.
Comment: SAMD9L: PM2, PM4

Labcorp Genetics (formerly Invitae), Labcorp
Classification: Uncertain significance. Last evaluated: 2024-10-22. Review status: criteria provided, single submitter. Criteria: Invitae Variant Classification Sherloc (09022015). Collection method: clinical testing. Allele origin: germline.
Comment: This sequence change creates a premature translational stop signal (p.Asn1019Phefs*4) in the SAMD9L gene. While this is not anticipated to result in nonsense mediated decay, it is expected to disrupt the last 566 amino acid(s) of the SAMD9L protein. This variant is present in population databases (rs753907551, gnomAD 0.01%). This variant has not been reported in the literature in individuals affected with SAMD9L-related conditions. Experimental studies and prediction algorithms are not available or were not evaluated, and the functional significance of this variant is currently unknown. In summary, the available evidence is currently insufficient to determine the role of this variant in disease. Therefore, it has been classified as a Variant of Uncertain Significance.

GeneDx
Classification: Uncertain significance. Last evaluated: 2024-03-14. Review status: criteria provided, single submitter. Criteria: GeneDx Variant Classification Process June 2021. Collection method: clinical testing. Allele origin: germline. Affected: yes.
Comment: Has not been previously published as pathogenic or benign to our knowledge; Frameshift variant predicted to result in abnormal protein length as the last 566 amino acids are replaced with 3 different amino acids; This variant is associated with the following publications: (PMID: 33724365, 28545555)

NM_152703.5(SAMD9L):c.3054_3055del (p.Asn1019fs)

Gene: SAMD9L (sterile alpha motif domain containing 9 like; minus strand). Cytogenetic location: 7q21.2.
Variant type: Microsatellite.
Coding change: c.3054_3055del on transcript NM_152703.5 (MANE Select); coding-DNA positions 3054 to 3055, 2 bases deleted (GA; older notation c.3054_3055delGA).
Protein change: p.Asn1019fs; shifts the reading frame from asparagine 1019.
Molecular consequence: frameshift variant.
Genome position (GRCh38, 1-based): chr7:93,132,917-93,132,918, TC deleted on the plus strand (GA on the coding strand, the reverse complement: SAMD9L is on the minus strand); deleting any 2 consecutive bases within chr7:93,132,917-93,132,921 gives the same sequence; the c. name uses the placement nearest the transcript's 3' end. VCF-style (leftmost placement, unchanged base first): chr7-93132916-TTC-T. GRCh37 (hg19) VCF-style: chr7-92762229-TTC-T.
Other names: c.3054_3055del, p.Asn1019fs (NM_001303496.3, NM_001303497.3, NM_001303498.3 and 5 more transcripts); c.3054_3055del (NM_152703.3); short protein forms N1019fs.
Identifiers: ClinVar variation 1025739 (VCV001025739.12), dbSNP rs753907551, ClinGen allele CA4343512.